The following is an entry in ClinVar:

NM_007259.5(VPS45):c.702C>G (p.Ala234=)

Gene: VPS45 (vacuolar protein sorting 45 homolog; plus strand). Cytogenetic location: 1q21.2.
Variant type: single nucleotide variant.
Coding change: c.702C>G on transcript NM_007259.5 (MANE Select); coding-DNA position 702, C replaced by G.
Protein change: p.Ala234=; no amino-acid change (alanine 234 retained).
Molecular consequence: synonymous variant. On other transcripts: non-coding transcript variant (1).
Genome position (GRCh38, 1-based): chr1:150,081,356, C>G. VCF-style: chr1-150081356-C-G. GRCh37 (hg19) VCF-style: chr1-150053438-C-G.
Other names: c.387C>G, p.Ala129= (NM_001279353.2); c.594C>G, p.Ala198= (NM_001279354.2); c.702C>G (NM_007259.4).
Identifiers: ClinVar variation 1157851 (VCV001157851.12), dbSNP rs782301145, ClinGen allele CA342250423.

ClinVar aggregate classification (germline): Likely benign. Review status: criteria provided, multiple submitters, no conflicts (2 of 4 stars). 3 submissions from 3 submitters: Likely benign (2). 1 of the submissions does not count toward it. Last evaluated 2025-11-25.

Conditions:
VPS45-related disorder. Also called: VPS45-related condition.
Congenital neutropenia-myelofibrosis-nephromegaly syndrome. Also called: Severe congenital neutropenia 5, autosomal recessive. Identifiers: Orphanet 369852, MedGen C3809031, MONDO:0014118, OMIM 615285.

Allele frequency attached by ClinVar (database versions not stated): gnomAD 0.00002.
gnomAD v4.1: 138 of 1,603,124 alleles (0.0086%); highest among the groups gnomAD compares: Non-Finnish European, 0.012%; no homozygotes.

Submissions (3):

Labcorp Genetics (formerly Invitae), Labcorp
Classification: Likely benign for Congenital neutropenia-myelofibrosis-nephromegaly syndrome. Last evaluated: 2025-11-25. Review status: criteria provided, single submitter. Criteria: Invitae Variant Classification Sherloc (09022015). Collection method: clinical testing. Allele origin: germline.

Breakthrough Genomics
Classification: Likely benign. Review status: criteria provided, single submitter. Criteria: ACMG Guidelines, 2015. Collection method: not provided. Allele origin: germline. Inheritance: Autosomal recessive inheritance. Affected: yes.

PreventionGenetics, part of Exact Sciences
Classification: Likely benign for VPS45-related condition. Last evaluated: 2019-03-15. Review status: no assertion criteria provided. Collection method: clinical testing. Allele origin: germline. Not counted in ClinVar's aggregate classification.
Comment: This variant is classified as likely benign based on ACMG/AMP sequence variant interpretation guidelines (Richards et al. 2015 PMID: 25741868, with internal and published modifications).